The following continues an entry in ClinVar:

NM_058216.3(RAD51C):c.640C>T (p.Arg214Cys)

ClinVar aggregate classification (germline): Conflicting classifications of pathogenicity. Uncertain significance (9); Benign (1); Likely benign (3).

Submissions 12 to 15 of 15:

Sema4
Classification: Uncertain significance for Hereditary cancer-predisposing syndrome. Last evaluated: 2021-05-18. Review status: criteria provided, single submitter. Criteria: Sema4 Curation Guidelines. Collection method: curation. Allele origin: germline.
Comment: The RAD51C c.640C>T (p.R214C) variant has been reported in several individuals with breast, ovarian, or endometrial cancers (PMID: 33471991, 25186627, 21980511, 30093976, 27443514), and was also reported in healthy controls (PMID: 33471991). It was observed in 17/24962 chromosomes of the African/African American subpopulation, with no homozygotes, in the large and broad cohorts of the Genome Aggregation Database (PMID: 32461654). The variant has been reported in ClinVar (Variation ID 141324). In silico tools suggest the impact of the variant on protein function is benign. Yeast two-hybrid based assay showed a small but significant decrease in interaction of the mutant RAD51C protein with XRCC3 and RAD51B, but did not find any changes to the steady-state levels of RAD51C (PMID: 21980511). The evidence is insufficient to meet ACMG/AMP criteria for classifying the variant as benign or pathogenic. Thus, the clinical significance of this variant is currently uncertain.

Genetic Services Laboratory, University of Chicago
Classification: Uncertain significance. Last evaluated: 2019-06-11. Review status: criteria provided, single submitter. Criteria: ACMG Guidelines, 2015. Collection method: clinical testing. Allele origin: germline. Affected: no.

PreventionGenetics, part of Exact Sciences
Classification: Uncertain significance for RAD51C-related condition. Last evaluated: 2024-08-22. Review status: no assertion criteria provided. Collection method: clinical testing. Allele origin: germline. Not counted in ClinVar's aggregate classification.
Comment: The RAD51C c.640C>T variant is predicted to result in the amino acid substitution p.Arg214Cys. This variant has been reported in individuals with breast, ovarian, or endometrial cancer (Clague et al. 2011. PubMed ID: 21980511; Table 2, Kushnir et al. 2012. PubMed ID: 23117857; Table S2, Chan et al. 2018. PubMed ID: 30093976; Table S2, Ring et al. 2016. PubMed ID: 27443514; Table 2, Sopik et al. 2015. PubMed ID: 25470109; Table S1, Tung et al. 2014. PubMed ID: 25186627). It has also been observed as a somatic change in a colon adenocarcinoma (Table 1, Prakash et al. 2022. PubMed ID: 36099300). Functional studies of the p.Arg214Cys variant showed decreased protein interaction and suggest the variant may be hypomorphic (Clague et al. 2011. PubMed ID: 21980511). However, experimental studies using yeast-based assays suggest this variant does not impair protein interaction or homologous recombination ability (Figure 2, Prakash et al. 2022. PubMed ID: 36099300). This variant is reported in 0.068% of alleles in individuals of African descent in gnomAD and is interpreted as uncertain significance by the vast majority of ClinVar submitters. At this time, the clinical significance of this variant is uncertain due to the absence of conclusive functional and genetic evidence.

Counsyl
Classification: Uncertain significance for Fanconi anemia complementation group O; Breast-ovarian cancer, familial, susceptibility to, 3. Last evaluated: 2017-11-13. Review status: no assertion criteria provided. Collection method: clinical testing. Allele origin: unknown. Not counted in ClinVar's aggregate classification.

Literature cited by the submitters: PubMed 21980511 (cited by 6 submitters); PubMed 25186627 (cited by 5 submitters); PubMed 27443514 (cited by 7 submitters); PubMed 30093976 (cited by 4 submitters); PubMed 35534704 (cited by Labcorp Genetics (formerly Invitae), Labcorp); PubMed 25470109 (cited by Women's Health and Genetics/Laboratory Corporation of America, LabCorp and Ambry Genetics); PubMed 23117857 (cited by 3 submitters); PubMed 33939675 (cited by Mayo Clinic Laboratories, Mayo Clinic); PubMed 34326862 (cited by Mayo Clinic Laboratories, Mayo Clinic); PubMed 33471991 (cited by Quest Diagnostics Nichols Institute San Juan Capistrano and Sema4); PubMed 36099300 (cited by Quest Diagnostics Nichols Institute San Juan Capistrano); PubMed 37253112 (cited by Quest Diagnostics Nichols Institute San Juan Capistrano); PubMed 25085752 (cited by Myriad Genetics, Inc.).